The following is an entry in ClinVar:

ClinVar aggregate classification (germline): Uncertain significance (1 of 4 stars; one submission).

Conditions:
Hereditary spastic paraplegia 31. Also called: SPASTIC PARAPLEGIA 31, AUTOSOMAL DOMINANT. Identifiers: Orphanet 101011, MedGen C1853247, MONDO:0012453, OMIM 610250.

Allele frequency attached by ClinVar (database versions not stated): gnomAD exomes below 0.00001; TOPMed below 0.00001; gnomAD 0.00001.
gnomAD v4.1: 2 of 1,613,762 alleles (0.00012%); highest among the groups gnomAD compares: African/African-American, 0.0013%; no homozygotes.

Submission:

Labcorp Genetics (formerly Invitae), Labcorp
Classification: Uncertain significance for Hereditary spastic paraplegia 31. Last evaluated: 2023-07-17. Review status: criteria provided, single submitter. Criteria: Invitae Variant Classification Sherloc (09022015). Collection method: clinical testing. Allele origin: germline.
Comment: In summary, the available evidence is currently insufficient to determine the role of this variant in disease. Therefore, it has been classified as a Variant of Uncertain Significance. An algorithm developed to predict the effect of missense changes on protein structure and function (PolyPhen-2) suggests that this variant is likely to be tolerated. ClinVar contains an entry for this variant (Variation ID: 575897). This variant has not been reported in the literature in individuals affected with REEP1-related conditions. This variant is not present in population databases (gnomAD no frequency). This sequence change replaces threonine, which is neutral and polar, with alanine, which is neutral and non-polar, at codon 131 of the REEP1 protein (p.Thr131Ala).

NM_001371279.1(REEP1):c.391A>G (p.Thr131Ala)

Gene: REEP1 (receptor accessory protein 1; minus strand). Cytogenetic location: 2p11.2.
Variant type: single nucleotide variant.
Coding change: c.391A>G on transcript NM_001371279.1 (MANE Select); coding-DNA position 391, A replaced by G.
Protein change: p.Thr131Ala; replaces threonine 131 with alanine.
Molecular consequence: missense variant. On other transcripts: intron variant (1).
Genome position (GRCh38, 1-based): chr2:86,251,983, T>C on the plus strand (A>G on the coding strand, the complement: REEP1 is on the minus strand). VCF-style: chr2-86251983-T-C. GRCh37 (hg19) VCF-style: chr2-86479106-T-C.
Other names: c.412A>G, p.Thr138Ala (NM_001164730.2); c.310A>G, p.Thr104Ala (NM_001164731.2); c.391A>G, p.Thr131Ala (NM_001371280.1, NM_022912.3); c.182+11982A>G (NM_001164732.2); short protein forms T131A, T138A, T104A.
Identifiers: ClinVar variation 575897 (VCV000575897.8), dbSNP rs1558889637, ClinGen allele CA347715894.
Genomic context (GRCh38, chr2:86,251,983, plus strand): 5'-GACTCATGTAGTTGTGGTACTTCCAGCACAGTACCTTGGAAGCAGCCATCACAGCCGCTG[T>C]GGCGGCCACGTTCAAGCCCCGCTTCCCGAAGTGCACAAGGGCATCGTAACTTCGGTCTTT-3'
Protein context (NP_001358208.1, residues 121-141): FGKRGLNVAA[Thr131Ala]AAVMAASKGQ